The following is an entry in ClinVar:

ClinVar aggregate classification (germline): Likely benign (0 of 4 stars; one submission).

Conditions:
CFAP44-related disorder. Also called: CFAP44-related condition.

Allele frequency attached by ClinVar (database versions not stated): gnomAD exomes 0.00003; ExAC 0.00009; gnomAD 0.00019; TOPMed 0.00026; 1000 Genomes Project 30x 0.00031; ESP Exome Variant Server 0.00031; 1000 Genomes Project 0.00040.
gnomAD v4.1: 80 of 1,612,862 alleles (0.005%); highest among the groups gnomAD compares: African/African-American, 0.073%; no homozygotes.

Submission:

PreventionGenetics, part of Exact Sciences
Classification: Likely benign for CFAP44-related condition. Last evaluated: 2019-12-03. Review status: no assertion criteria provided. Collection method: clinical testing. Allele origin: germline.
Comment: This variant is classified as likely benign based on ACMG/AMP sequence variant interpretation guidelines (Richards et al. 2015 PMID: 25741868, with internal and published modifications).

NM_001164496.2(CFAP44):c.1570-5C>T

Genes: CFAP44 (cilia and flagella associated protein 44; minus strand), SPICE1-CFAP44 (SPICE1-CFAP44 readthrough (NMD candidate); minus strand). Cytogenetic location: 3q13.2.
Variant type: single nucleotide variant.
Coding change: c.1570-5C>T on transcript NM_001164496.2 (MANE Select); 5 bases into the intron before coding-DNA position 1570, C replaced by T.
Molecular consequence: intron variant.
Genome position (GRCh38, 1-based): chr3:113,396,732, G>A on the plus strand (C>T on the coding strand, the complement: CFAP44 is on the minus strand). VCF-style: chr3-113396732-G-A. GRCh37 (hg19) VCF-style: chr3-113115579-G-A.
Other names: c.1570-5C>T (NM_018338.3).
Identifiers: ClinVar variation 3048518 (VCV003048518.2), dbSNP rs377503120, ClinGen allele CA2544108.
Genomic context (GRCh38, chr3:113,396,732, plus strand): 5'-ATTCGAACAACTCCATCTTCAAATCCTACAATAATTTGTGCTCCAGTGAAGTTTACCTTG[G>A]AGAAAATTAAAGATAAGGGACCTGAAACTAGTTAAATTGAGAAAGTTGTACTATATAACA-3'